The following is an entry in ClinVar:

ClinVar aggregate classification (germline): Pathogenic/Likely pathogenic. Review status: criteria provided, multiple submitters, no conflicts (2 of 4 stars). 7 submissions from 7 submitters: Pathogenic (4); Likely pathogenic (1). 2 of the submissions do not count toward it. Last evaluated 2026-03-30.

Conditions:
Marfan syndrome (MFS). Also called: Marfan syndrome, classic; FBN1-Related Marfan Syndrome; Marfan syndrome type 1; Marfan's syndrome; MARFAN SYNDROME, TYPE I. Identifiers: Orphanet 284963, Orphanet 558, MedGen C0024796, MONDO:0007947, OMIM 154700.
Familial thoracic aortic aneurysm and aortic dissection (TAAD). Also called: Thoracic aortic aneurysms and dissections. Identifiers: Orphanet 91387, MedGen C4707243, MONDO:0019625.

Submissions (7):

GeneDx
Classification: Pathogenic. Last evaluated: 2026-03-30. Review status: criteria provided, single submitter. Criteria: GeneDx Variant Classification Process June 2021. Collection method: clinical testing. Allele origin: germline. Affected: yes.
Comment: Identified in patients with Marfan syndrome referred for genetic testing at GeneDx, and in published literature in an individual with a Marfan-related phenotype (PMID: 17657824); Not observed in large population cohorts (gnomAD); Canonical splice site variant in a gene for which loss-of-function is a known mechanism of disease; This variant is associated with the following publications: (PMID: 25525159, 35058154, 17657824)

Genomic Medicine Center of Excellence, King Faisal Specialist Hospital and Research Centre
Classification: Pathogenic for Marfan syndrome. Last evaluated: 2025-09-10. Review status: criteria provided, single submitter. Criteria: ACMG Guidelines, 2015. Collection method: clinical testing. Allele origin: germline.

Labcorp Genetics (formerly Invitae), Labcorp
Classification: Pathogenic for Marfan syndrome; Familial thoracic aortic aneurysm and aortic dissection. Last evaluated: 2023-09-13. Review status: criteria provided, single submitter. Criteria: Invitae Variant Classification Sherloc (09022015). Collection method: clinical testing. Allele origin: germline.
Comment: Disruption of this splice site has been observed in individuals with clinical features of Marfan syndrome (PMID: 17657824, 24161884). ClinVar contains an entry for this variant (Variation ID: 200030). Algorithms developed to predict the effect of sequence changes on RNA splicing suggest that this variant may disrupt the consensus splice site. For these reasons, this variant has been classified as Pathogenic. This sequence change affects a donor splice site in intron 2 of the FBN1 gene. It is expected to disrupt RNA splicing. Variants that disrupt the donor or acceptor splice site typically lead to a loss of protein function (PMID: 16199547), and loss-of-function variants in FBN1 are known to be pathogenic (PMID: 17657824, 19293843). This variant is not present in population databases (gnomAD no frequency).

Centre of Medical Genetics, University of Antwerp
Classification: Likely pathogenic for Marfan syndrome. Last evaluated: 2021-03-01. Review status: criteria provided, single submitter. Criteria: Submitter's publication. Collection method: research. Allele origin: unknown. Affected: yes.
Comment: PM2, PS7, PP4

Laboratory for Molecular Medicine, Mass General Brigham Personalized Medicine
Classification: Pathogenic for Marfan syndrome. Last evaluated: 2020-08-24. Review status: criteria provided, single submitter. Criteria: ACMG Guidelines, 2015. Collection method: clinical testing. Allele origin: germline.
Comment: The c.164+1G>A variant in FBN1 has been identified in 1 individual with clinical features of Marfan syndrome (Comeglio 2007 PubMed: 17657824) and was absent from large population studies. This variant is reported in ClinVar (allele ID: 197827). This variant occurs within the canonical splice site (+/- 1,2) and is predicted to cause altered splicing leading to an abnormal or absent protein. Loss of function of the FBN1 gene is an established disease mechanism in Marfan syndrome. In addition, another variant at this position (c.164+1G>T) has been identified in an individual with Marfan syndrome (Aalberts 2014 PMID: 24161884). In summary, this variant meets criteria to be classified as pathogenic for autosomal dominant Marfan syndrome. ACMG/AMP Criteria applied: PM2; PP3; PVS1; PM5.

Center for Medical Genetics Ghent, University of Ghent
Classification: Pathogenic for Marfan syndrome. Last evaluated: 2017-11-07. Review status: no assertion criteria provided. Collection method: clinical testing. Allele origin: germline. Affected: yes. Not counted in ClinVar's aggregate classification.

OMIM
Classification: Pathogenic for MARFAN SYNDROME. Last evaluated: 1992-05-01. Review status: no assertion criteria provided. Collection method: literature only. Allele origin: germline. Not counted in ClinVar's aggregate classification.

Literature cited by the submitters: PubMed 17657824 (cited by Labcorp Genetics (formerly Invitae), Labcorp); PubMed 24161884 (cited by Labcorp Genetics (formerly Invitae), Labcorp); PubMed 16199547 (cited by Labcorp Genetics (formerly Invitae), Labcorp); PubMed 19293843 (cited by Labcorp Genetics (formerly Invitae), Labcorp); PubMed 1569206 (cited by OMIM).

NM_000138.5(FBN1):c.164+1G>A

Gene: FBN1 (fibrillin 1; minus strand). Cytogenetic location: 15q21.1.
Variant type: single nucleotide variant.
Coding change: c.164+1G>A on transcript NM_000138.5 (MANE Select); the canonical splice donor site of the intron after coding-DNA position 164, G replaced by A.
Molecular consequence: splice donor variant.
Genome position (GRCh38, 1-based): chr15:48,644,605, C>T on the plus strand (G>A on the coding strand, the complement: FBN1 is on the minus strand). VCF-style: chr15-48644605-C-T. GRCh37 (hg19) VCF-style: chr15-48936802-C-T.
Other names: c.164+1G>A (NM_001406716.1, NM_001406717.1, NM_001406718.1).
Identifiers: ClinVar variation 200030 (VCV000200030.32), dbSNP rs794728213, ClinGen allele CA012362.